The following is an entry in ClinVar:

NM_001040716.2(PC):c.1357C>T (p.Arg453Ter)

Gene: PC (pyruvate carboxylase; minus strand). Cytogenetic location: 11q13.2.
Variant type: single nucleotide variant.
Coding change: c.1357C>T on transcript NM_001040716.2 (MANE Select); coding-DNA position 1357, C replaced by T.
Protein change: p.Arg453Ter; replaces arginine 453 with a stop codon.
Molecular consequence: nonsense.
Genome position (GRCh38, 1-based): chr11:66,863,785, G>A on the plus strand (C>T on the coding strand, the complement: PC is on the minus strand). VCF-style: chr11-66863785-G-A. GRCh37 (hg19) VCF-style: chr11-66631256-G-A.
Other names: c.1357C>T, p.Arg453Ter (NM_000920.4, NM_022172.3); short protein forms R453*.
Identifiers: ClinVar variation 436166 (VCV000436166.11), dbSNP rs768514713, ClinGen allele CA224087137.

ClinVar aggregate classification (germline): Pathogenic/Likely pathogenic. Review status: criteria provided, multiple submitters, no conflicts (2 of 4 stars). 3 submissions from 3 submitters: Pathogenic (2); Likely pathogenic (1). Last evaluated 2023-09-22.

Conditions:
Pyruvate carboxylase deficiency. Also called: ATAXIA WITH LACTIC ACIDOSIS II; Pyruvate Carboxylase Deficiency Disease; LEIGH NECROTIZING ENCEPHALOPATHY DUE TO PYRUVATE CARBOXYLASE DEFICIENCY; LEIGH SYNDROME DUE TO PYRUVATE CARBOXYLASE DEFICIENCY; PC DEFICIENCY. Identifiers: Orphanet 3008, MedGen C0034341, MONDO:0009949, OMIM 266150.

Allele frequency attached by ClinVar (database versions not stated): TOPMed below 0.00001.
gnomAD v4.1: 4 of 1,611,120 alleles (0.00025%); highest among the groups gnomAD compares: African/African-American, 0.0013%; no homozygotes.

Submissions (3):

Baylor Genetics
Classification: Likely pathogenic for Pyruvate carboxylase deficiency. Last evaluated: 2023-09-22. Review status: criteria provided, single submitter. Criteria: ACMG Guidelines, 2015. Collection method: clinical testing. Allele origin: unknown.

Labcorp Genetics (formerly Invitae), Labcorp
Classification: Pathogenic for Pyruvate carboxylase deficiency. Last evaluated: 2022-05-14. Review status: criteria provided, single submitter. Criteria: Invitae Variant Classification Sherloc (09022015). Collection method: clinical testing. Allele origin: germline.
Comment: This sequence change creates a premature translational stop signal (p.Arg453*) in the PC gene. It is expected to result in an absent or disrupted protein product. Loss-of-function variants in PC are known to be pathogenic (PMID: 12112657, 19306334). This variant is not present in population databases (gnomAD no frequency). This variant has not been reported in the literature in individuals affected with PC-related conditions. ClinVar contains an entry for this variant (Variation ID: 436166). For these reasons, this variant has been classified as Pathogenic.

Genetic Services Laboratory, University of Chicago
Classification: Pathogenic for Pyruvate carboxylase deficiency. Last evaluated: 2016-08-08. Review status: criteria provided, single submitter. Criteria: ACMG Guidelines, 2015. Collection method: clinical testing. Allele origin: germline. Affected: yes.

Literature cited by the submitters: PubMed 12112657 (cited by Labcorp Genetics (formerly Invitae), Labcorp); PubMed 19306334 (cited by Labcorp Genetics (formerly Invitae), Labcorp).